The following is an entry in ClinVar:

NM_001184.4(ATR):c.7906A>T (p.Met2636Leu)

Gene: ATR (ATR checkpoint kinase; minus strand). Cytogenetic location: 3q23.
Variant type: single nucleotide variant.
Coding change: c.7906A>T on transcript NM_001184.4 (MANE Select); coding-DNA position 7906, A replaced by T.
Protein change: p.Met2636Leu; replaces methionine 2636 with leucine.
Molecular consequence: missense variant.
Genome position (GRCh38, 1-based): chr3:142,449,458, T>A on the plus strand (A>T on the coding strand, the complement: ATR is on the minus strand). VCF-style: chr3-142449458-T-A. GRCh37 (hg19) VCF-style: chr3-142168300-T-A.
Other names: c.7714A>T, p.Met2572Leu (NM_001354579.2); short protein forms M2636L, M2572L.
Identifiers: ClinVar variation 2453576 (VCV002453576.2), dbSNP rs2473008619, ClinGen allele CA354793676.

ClinVar aggregate classification (germline): Uncertain significance (1 of 4 stars; one submission).

Conditions:
Inborn genetic diseases. Identifiers: MedGen C0950123, MeSH D030342.

Submission:

Ambry Genetics
Classification: Uncertain significance for Inborn genetic diseases. Last evaluated: 2023-01-25. Review status: criteria provided, single submitter. Criteria: Ambry Variant Classification Scheme 2023. Collection method: clinical testing. Allele origin: germline.
Comment: The p.M2636L variant (also known as c.7906A>T), located in coding exon 47 of the ATR gene, results from an A to T substitution at nucleotide position 7906. The methionine at codon 2636 is replaced by leucine, an amino acid with highly similar properties. This amino acid position is conserved. In addition, this alteration is predicted to be deleterious by in silico analysis. Since supporting evidence is limited at this time, the clinical significance of this alteration remains unclear.